The following is an entry in ClinVar:

NM_000081.4(LYST):c.3505C>T (p.Leu1169Phe)

Gene: LYST (lysosomal trafficking regulator; minus strand). Cytogenetic location: 1q42.3.
Variant type: single nucleotide variant.
Coding change: c.3505C>T on transcript NM_000081.4 (MANE Select); coding-DNA position 3505, C replaced by T.
Protein change: p.Leu1169Phe; replaces leucine 1169 with phenylalanine.
Molecular consequence: missense variant.
Genome position (GRCh38, 1-based): chr1:235,804,554, G>A on the plus strand (C>T on the coding strand, the complement: LYST is on the minus strand). VCF-style: chr1-235804554-G-A. GRCh37 (hg19) VCF-style: chr1-235967854-G-A.
Other names: c.3505C>T (NM_000081.2); c.3505C>T, p.Leu1169Phe (NM_001301365.1); short protein forms L1169F.
Identifiers: ClinVar variation 3688508 (VCV003688508.3).

ClinVar aggregate classification (germline): Uncertain significance. Review status: criteria provided, multiple submitters, no conflicts (2 of 4 stars). 2 submissions from 2 submitters: Uncertain significance (2). Last evaluated 2025-10-14.

Conditions:
Inborn genetic diseases. Identifiers: MedGen C0950123, MeSH D030342.
Chédiak-Higashi syndrome (CHS). Also called: Chediak-Higashi Syndrome. Identifiers: Orphanet 167, MedGen C0007965, MONDO:0008963, OMIM 214500.

gnomAD v4.1: 1 of 1,613,472 alleles (0.000062%); highest among the groups gnomAD compares: East Asian, 0.0022%; no homozygotes.

Submissions (2):

Ambry Genetics
Classification: Uncertain significance for Inborn genetic diseases. Last evaluated: 2025-10-14. Review status: criteria provided, single submitter. Criteria: Ambry Variant Classification Scheme 2023. Collection method: clinical testing. Allele origin: germline.

Labcorp Genetics (formerly Invitae), Labcorp
Classification: Uncertain significance for Chédiak-Higashi syndrome. Last evaluated: 2025-03-10. Review status: criteria provided, single submitter. Criteria: Invitae Variant Classification Sherloc (09022015). Collection method: clinical testing. Allele origin: germline.
Comment: This sequence change replaces leucine, which is neutral and non-polar, with phenylalanine, which is neutral and non-polar, at codon 1169 of the LYST protein (p.Leu1169Phe). This variant is not present in population databases (gnomAD no frequency). This variant has not been reported in the literature in individuals affected with LYST-related conditions. Invitae Evidence Modeling of protein sequence and biophysical properties (such as structural, functional, and spatial information, amino acid conservation, physicochemical variation, residue mobility, and thermodynamic stability) indicates that this missense variant is not expected to disrupt LYST protein function with a negative predictive value of 80%. In summary, the available evidence is currently insufficient to determine the role of this variant in disease. Therefore, it has been classified as a Variant of Uncertain Significance.